The following is an entry in ClinVar:

ClinVar aggregate classification (germline): Likely benign (1 of 4 stars; one submission).

Conditions:
KIF7-related disorder. Also called: KIF7-related condition.

gnomAD v4.1: 1 of 1,534,900 alleles (0.000065%); highest among the groups gnomAD compares: Non-Finnish European, 0.000087%; no homozygotes.

Submission:

PreventionGenetics, part of Exact Sciences
Classification: Likely benign for KIF7-related condition. Last evaluated: 2024-12-21. Review status: criteria provided, single submitter. Criteria: ACMG Guidelines, 2015. Collection method: clinical testing. Allele origin: germline.
Comment: This variant is classified as likely benign based on ACMG/AMP sequence variant interpretation guidelines (Richards et al. 2015 PMID: 25741868, with internal and published modifications).

NM_198525.3(KIF7):c.1074G>T (p.Arg358=)

Gene: KIF7 (kinesin family member 7; minus strand). Cytogenetic location: 15q26.1.
Variant type: single nucleotide variant.
Coding change: c.1074G>T on transcript NM_198525.3 (MANE Select); coding-DNA position 1074, G replaced by T.
Protein change: p.Arg358=; no amino-acid change (arginine 358 retained).
Molecular consequence: synonymous variant.
Genome position (GRCh38, 1-based): chr15:89,648,624, C>A on the plus strand (G>T on the coding strand, the complement: KIF7 is on the minus strand). VCF-style: chr15-89648624-C-A. GRCh37 (hg19) VCF-style: chr15-90191855-C-A.
Identifiers: ClinVar variation 5000084 (VCV005000084.1).
Genomic context (GRCh38, chr15:89,648,624, plus strand): 5'-GTGCCGTGGCGGACCCCGCGCGCCGCTCGCCGTCTCTTCGGGTGGCCGCTCGGCCTCGGG[C>A]CGCCAGTTGACCGTGGCGCGGTTGCGGATGTTCTGGGCGCGGCTGGCGTAGTTGAGGGTG-3'
Protein context (NP_940927.2, residues 348-368): NIRNRATVNW[Arg358=]PEAERPPEET